The following is an entry in ClinVar:

NM_003322.6(TULP1):c.1496-1G>C

Gene: TULP1 (TUB like protein 1; minus strand). Cytogenetic location: 6p21.31.
Variant type: single nucleotide variant.
Coding change: c.1496-1G>C on transcript NM_003322.6 (MANE Select); the canonical splice acceptor site of the intron before coding-DNA position 1496, G replaced by C.
Molecular consequence: splice acceptor variant.
Genome position (GRCh38, 1-based): chr6:35,498,461, C>G on the plus strand (G>C on the coding strand, the complement: TULP1 is on the minus strand). VCF-style: chr6-35498461-C-G. GRCh37 (hg19) VCF-style: chr6-35466238-C-G.
Other names: c.1337-1G>C (NM_001289395.2).
Identifiers: ClinVar variation 2982678 (VCV002982678.4), dbSNP rs1203282813, ClinGen allele CA363778403.

ClinVar aggregate classification (germline): Conflicting classifications of pathogenicity. Review status: criteria provided, conflicting classifications (1 of 4 stars). 2 submissions from 2 submitters: Likely pathogenic (1); Uncertain significance (1). Last evaluated 2024-01-29.

Conditions:
TULP1-related disorder. Also called: TULP1-related condition; TULP1-related disorders.

Allele frequency attached by ClinVar (database versions not stated): TOPMed below 0.00001.

Submissions (2):

Labcorp Genetics (formerly Invitae), Labcorp
Classification: Uncertain significance. Last evaluated: 2024-01-29. Review status: criteria provided, single submitter. Criteria: Invitae Variant Classification Sherloc (09022015). Collection method: clinical testing. Allele origin: germline.
Comment: This sequence change affects an acceptor splice site in intron 14 of the TULP1 gene. While this variant is not anticipated to result in nonsense mediated decay, it likely alters RNA splicing and results in a disrupted protein product. This variant is not present in population databases (gnomAD no frequency). This variant has not been reported in the literature in individuals affected with TULP1-related conditions. Variants that disrupt the consensus splice site are a relatively common cause of aberrant splicing (PMID: 17576681, 9536098). Algorithms developed to predict the effect of sequence changes on RNA splicing suggest that this variant may disrupt the consensus splice site. In summary, the available evidence is currently insufficient to determine the role of this variant in disease. Therefore, it has been classified as a Variant of Uncertain Significance.

Blueprint Genetics
Classification: Likely pathogenic for TULP1-related disorders. Last evaluated: 2023-02-02. Review status: criteria provided, single submitter. Criteria: ACMG Guidelines, 2015. Collection method: clinical testing. Allele origin: germline. Affected: yes. Observed: 1 variant allele.

Literature cited by the submitters: PubMed 17576681 (cited by Labcorp Genetics (formerly Invitae), Labcorp); PubMed 9536098 (cited by Labcorp Genetics (formerly Invitae), Labcorp).